The following is an entry in ClinVar:

NM_001386298.1(CIC):c.6467C>T (p.Pro2156Leu)

Gene: CIC (capicua transcriptional repressor; plus strand). Cytogenetic location: 19q13.2.
Variant type: single nucleotide variant.
Coding change: c.6467C>T on transcript NM_001386298.1 (MANE Select); coding-DNA position 6467, C replaced by T.
Protein change: p.Pro2156Leu; replaces proline 2156 with leucine.
Molecular consequence: missense variant.
Genome position (GRCh38, 1-based): chr19:42,293,226, C>T. VCF-style: chr19-42293226-C-T. GRCh37 (hg19) VCF-style: chr19-42797378-C-T.
Other names: c.6467C>T, p.Pro2156Leu (NM_001304815.2, NM_001379482.1, NM_001439183.1 and 2 more transcripts); c.6464C>T, p.Pro2155Leu (NM_001379480.1, NM_001439184.1, NM_001439185.1 and 1 more transcripts); c.3740C>T, p.Pro1247Leu (NM_001379484.1, NM_001379485.1, NM_001439190.1 and 1 more transcripts); c.3737C>T, p.Pro1246Leu (NM_001439189.1, NM_001439191.1); short protein forms P1246L, P1247L, P2155L, P2156L.
Identifiers: ClinVar variation 4883670 (VCV004883670.2).

ClinVar aggregate classification (germline): Uncertain significance (1 of 4 stars; one submission).

gnomAD v4.1: 1 of 1,595,594 alleles (0.000063%); highest among the groups gnomAD compares: Non-Finnish European, 0.000085%; no homozygotes.

Submission:

Dasa
Classification: Uncertain significance. Last evaluated: 2025-09-16. Review status: criteria provided, single submitter. Criteria: DASA Assertion Criteria. Collection method: clinical testing. Allele origin: germline.
Comment: NM_001386298.1(CIC):c.6467C>T (p.Pro2156Leu) is a missense variant that results in the substitution of proline with leucine. This variant is rare in population databases. Computational prediction algorithms are consistent with a benign effect. The currently available literature and clinical evidence are not sufficient to establish a definitive association between this variant and the reported condition. Therefore, this variant is classified as a variant of uncertain significance.